The following is an entry in ClinVar:

ClinVar aggregate classification (germline): Uncertain significance. Review status: criteria provided, multiple submitters, no conflicts (2 of 4 stars). 2 submissions from 2 submitters: Uncertain significance (2). Last evaluated 2025-12-04.

Submissions (2):

Ambry Genetics
Classification: Uncertain significance. Last evaluated: 2025-12-04. Review status: criteria provided, single submitter. Criteria: Ambry Variant Classification Scheme 2023. Collection method: clinical testing. Allele origin: germline.

Labcorp Genetics (formerly Invitae), Labcorp
Classification: Uncertain significance. Last evaluated: 2025-11-25. Review status: criteria provided, single submitter. Criteria: Invitae Variant Classification Sherloc (09022015). Collection method: clinical testing. Allele origin: germline.
Comment: This sequence change replaces serine, which is neutral and polar, with threonine, which is neutral and polar, at codon 898 of the ADCY10 protein (p.Ser898Thr). This variant is not present in population databases (gnomAD no frequency). This variant has not been reported in the literature in individuals affected with ADCY10-related conditions. An algorithm developed to predict the effect of missense changes on protein structure and function (PolyPhen-2) suggests that this variant is likely to be tolerated. In summary, the available evidence is currently insufficient to determine the role of this variant in disease. Therefore, it has been classified as a Variant of Uncertain Significance.

NM_018417.6(ADCY10):c.2692T>A (p.Ser898Thr)

Gene: ADCY10 (adenylate cyclase 10; minus strand). Cytogenetic location: 1q24.2.
Variant type: single nucleotide variant.
Coding change: c.2692T>A on transcript NM_018417.6 (MANE Select); coding-DNA position 2692, T replaced by A.
Protein change: p.Ser898Thr; replaces serine 898 with threonine.
Molecular consequence: missense variant.
Genome position (GRCh38, 1-based): chr1:167,846,009, A>T on the plus strand (T>A on the coding strand, the complement: ADCY10 is on the minus strand). VCF-style: chr1-167846009-A-T. GRCh37 (hg19) VCF-style: chr1-167815247-A-T.
Other names: c.2233T>A, p.Ser745Thr (NM_001167749.3); c.2416T>A, p.Ser806Thr (NM_001297772.2); short protein forms S745T, S898T, S806T.
Identifiers: ClinVar variation 4637942 (VCV004637942.2).